The following is an entry in ClinVar:

ClinVar aggregate classification (germline): Pathogenic (1 of 4 stars; one submission).

Conditions:
Kabuki syndrome 1 (KABUK1). Also called: KMT2D-Related Kabuki Syndrome. Identifiers: Orphanet 2322, MedGen CN030661, MONDO:0007843, OMIM 147920.

Submission:

Daryl Scott Lab, Baylor College of Medicine
Classification: Pathogenic for Kabuki syndrome 1. Last evaluated: 2024-04-01. Review status: criteria provided, single submitter. Criteria: ACMG Guidelines, 2015. Collection method: clinical testing. Allele origin: de novo. Affected: yes. Observed: 1 heterozygote.
Comment: PVS1, PS2, PM2

NM_003482.4(KMT2D):c.2657del (p.Pro886fs)

Gene: KMT2D (lysine methyltransferase 2D; minus strand). Cytogenetic location: 12q13.12.
Variant type: Deletion.
Coding change: c.2657del on transcript NM_003482.4 (MANE Select); coding-DNA position 2657, one base deleted (C; older notation c.2657delC).
Protein change: p.Pro886fs; shifts the reading frame from proline 886.
Molecular consequence: frameshift variant.
Genome position (GRCh38, 1-based): chr12:49,051,026, G deleted on the plus strand (C on the coding strand, the reverse complement: KMT2D is on the minus strand); the first of 5 consecutive G bases (chr12:49,051,026-49,051,030); deleting any one gives the same sequence. VCF-style (leftmost placement, unchanged base first): chr12-49051025-AG-A. GRCh37 (hg19) VCF-style: chr12-49444808-AG-A.
Other names: c.2657delC (NM_003482.4); short protein forms P886fs.
Identifiers: ClinVar variation 3778777 (VCV003778777.1).